The following is an entry in ClinVar:

ClinVar aggregate classification (germline): Likely pathogenic (1 of 4 stars; one submission).

Submission:

GeneDx
Classification: Likely pathogenic. Last evaluated: 2020-06-10. Review status: criteria provided, single submitter. Criteria: GeneDx Variant Classification Process June 2021. Collection method: clinical testing. Allele origin: germline. Affected: yes.
Comment: Nonsense variant predicted to result in protein truncation or nonsense mediated decay in a gene for which loss-of-function is a known mechanism of disease; Not observed in large population cohorts (Lek et al., 2016); Has not been previously published as pathogenic or benign to our knowledge

NM_018060.4(IARS2):c.1342C>T (p.Gln448Ter)

Gene: IARS2 (isoleucyl-tRNA synthetase 2, mitochondrial; plus strand). Cytogenetic location: 1q41.
Variant type: single nucleotide variant.
Coding change: c.1342C>T on transcript NM_018060.4 (MANE Select); coding-DNA position 1342, C replaced by T.
Protein change: p.Gln448Ter; replaces glutamine 448 with a stop codon.
Molecular consequence: nonsense.
Genome position (GRCh38, 1-based): chr1:220,110,800, C>T. VCF-style: chr1-220110800-C-T. GRCh37 (hg19) VCF-style: chr1-220284142-C-T.
Other names: short protein forms Q448*.
Identifiers: ClinVar variation 504356 (VCV000504356.3), dbSNP rs1287308680, ClinGen allele CA344633197.